The following is an entry in ClinVar:

NM_001571.6(IRF3):c.1025A>G (p.Tyr342Cys)

Gene: IRF3 (interferon regulatory factor 3; minus strand). Cytogenetic location: 19q13.33.
Variant type: single nucleotide variant.
Coding change: c.1025A>G on transcript NM_001571.6 (MANE Select); coding-DNA position 1025, A replaced by G.
Protein change: p.Tyr342Cys; replaces tyrosine 342 with cysteine.
Molecular consequence: missense variant. On other transcripts: synonymous variant (1), non-coding transcript variant (1).
Genome position (GRCh38, 1-based): chr19:49,660,786, T>C on the plus strand (A>G on the coding strand, the complement: IRF3 is on the minus strand). VCF-style: chr19-49660786-T-C. GRCh37 (hg19) VCF-style: chr19-50164043-T-C.
Other names: c.1041A>G, p.Leu347= (NM_001197122.2); c.920A>G, p.Tyr307Cys (NM_001197123.2); c.644A>G, p.Tyr215Cys (NM_001197124.2); c.587A>G, p.Tyr196Cys (NM_001197125.2, NM_001197126.2); c.206A>G, p.Tyr69Cys (NM_001197127.2, NM_001197128.2); c.1025A>G (NM_001571.5); short protein forms Y196C, Y215C, Y307C, Y69C, Y342C.
Identifiers: ClinVar variation 3530021 (VCV003530021.2).

ClinVar aggregate classification (germline): Conflicting classifications of pathogenicity. Review status: criteria provided, conflicting classifications (1 of 4 stars). 2 submissions from 2 submitters: Uncertain significance (1); Likely benign (1). Last evaluated 2026-05-27.

Conditions:
IRF3-related disorder. Also called: IRF3-related condition.

gnomAD v4.1: 19 of 1,610,600 alleles (0.0012%); highest among the groups gnomAD compares: Admixed American, 0.025%; no homozygotes.

Submissions (2):

PreventionGenetics, part of Exact Sciences
Classification: Uncertain significance for IRF3-related condition. Last evaluated: 2026-05-27. Review status: criteria provided, single submitter. Criteria: ACMG Guidelines, 2015. Collection method: clinical testing. Allele origin: germline.
Comment: The IRF3 c.1025A>G variant is predicted to result in the amino acid substitution p.Tyr342Cys. To our knowledge, this variant has not been reported in the literature. This variant is reported in 0.0030% of alleles in individuals of Latino descent in gnomAD. At this time, the clinical significance of this variant is uncertain due to the absence of conclusive functional and genetic evidence.

Ambry Genetics
Classification: Likely benign. Last evaluated: 2024-09-30. Review status: criteria provided, single submitter. Criteria: Ambry Variant Classification Scheme 2023. Collection method: clinical testing. Allele origin: germline.